The following is an entry in ClinVar:

ClinVar aggregate classification (germline): Uncertain significance (1 of 4 stars; one submission).

Submission:

Ambry Genetics
Classification: Uncertain significance. Last evaluated: 2024-12-06. Review status: criteria provided, single submitter. Criteria: Ambry Variant Classification Scheme 2023. Collection method: clinical testing. Allele origin: germline.
Comment: The p.T440K variant (also known as c.1319C>A), located in coding exon 9 of the RINT1 gene, results from a C to A substitution at nucleotide position 1319. The threonine at codon 440 is replaced by lysine, an amino acid with similar properties. This amino acid position is conserved. In addition, the in silico prediction for this alteration is inconclusive. Based on the available evidence, the clinical significance of this variant remains unclear.

NM_021930.6(RINT1):c.1319C>A (p.Thr440Lys)

Gene: RINT1 (RAD50 interactor 1; plus strand). Cytogenetic location: 7q22.3.
Variant type: single nucleotide variant.
Coding change: c.1319C>A on transcript NM_021930.6 (MANE Select); coding-DNA position 1319, C replaced by A.
Protein change: p.Thr440Lys; replaces threonine 440 with lysine.
Molecular consequence: missense variant. On other transcripts: non-coding transcript variant (1).
Genome position (GRCh38, 1-based): chr7:105,550,472, C>A. VCF-style: chr7-105550472-C-A. GRCh37 (hg19) VCF-style: chr7-105190919-C-A.
Other names: c.1085C>A, p.Thr362Lys (NM_001346599.2); c.296C>A, p.Thr99Lys (NM_001346600.2, NM_001346603.2); c.395C>A, p.Thr132Lys (NM_001346601.2); short protein forms T99K, T362K, T132K, T440K.
Identifiers: ClinVar variation 3433672 (VCV003433672.1).
Genomic context (GRCh38, chr7:105,550,472, plus strand): 5'-GCACTTTTGCTAGTTGTATGCATATTCTATCAGAGGAAACCTGTTTTCAGAGATGGTTGA[C>A]GGTGGAGAGAAAATGTAAGTGCTGATGTGGCCAGATGGTAGGGAGATATGTCTGTTTCTG-3'
Protein context (NP_068749.3, residues 430-450): SEETCFQRWL[Thr440Lys]VERKFALQKM